The following is an entry in ClinVar:

ClinVar aggregate classification (germline): Uncertain significance (1 of 4 stars; one submission).

Submission:

GeneDx
Classification: Uncertain significance. Last evaluated: 2025-10-17. Review status: criteria provided, single submitter. Criteria: GeneDx Variant Classification Process June 2021. Collection method: clinical testing. Allele origin: germline. Affected: yes.
Comment: Not observed at significant frequency in large population cohorts (gnomAD); In silico analysis suggests that this missense variant does not alter protein structure/function; Has not been previously published as pathogenic or benign to our knowledge

NM_004208.4(AIFM1):c.1090A>G (p.Met364Val)

Genes: AIFM1 (apoptosis inducing factor mitochondria associated 1; minus strand), RAB33A (RAB33A, member RAS oncogene family; plus strand). Cytogenetic location: Xq26.1.
Variant type: single nucleotide variant.
Coding change: c.1090A>G on transcript NM_004208.4 (MANE Select); coding-DNA position 1090, A replaced by G.
Protein change: p.Met364Val; replaces methionine 364 with valine.
Molecular consequence: missense variant. On other transcripts: 3 prime UTR variant (1), non-coding transcript variant (1).
Genome position (GRCh38, 1-based): chrX:130,136,717, T>C on the plus strand (A>G on the coding strand, the complement: AIFM1 is on the minus strand). VCF-style: chrX-130136717-T-C. GRCh37 (hg19) VCF-style: chrX-129270692-T-C.
Other names: c.73A>G, p.Met25Val (NM_001130846.4); c.*318A>G (NM_001130847.4); c.1078A>G, p.Met360Val (NM_145812.3); short protein forms M364V, M360V, M25V.
Identifiers: ClinVar variation 452403 (VCV000452403.3), dbSNP rs1556262326, ClinGen allele CA414578594.